The following is an entry in ClinVar:

NM_000785.4(CYP27B1):c.57_69del (p.Glu20fs)

Gene: CYP27B1 (cytochrome P450 family 27 subfamily B member 1; minus strand). Cytogenetic location: 12q14.1.
Variant type: Deletion.
Coding change: c.57_69del on transcript NM_000785.4 (MANE Select); coding-DNA positions 57 to 69, 13 bases deleted (CGAGTTGGGCGCC).
Protein change: p.Glu20fs; shifts the reading frame from glutamic acid 20.
Molecular consequence: frameshift variant.
Genome position (GRCh38, 1-based): chr12:57,766,973-57,766,985, GGCGCCCAACTCG deleted on the plus strand (CGAGTTGGGCGCC on the coding strand, the reverse complement: CYP27B1 is on the minus strand); deleting any 13 consecutive bases within chr12:57,766,973-57,766,993 gives the same sequence; the c. name uses the placement nearest the transcript's 3' end. VCF-style (leftmost placement, unchanged base first): chr12-57766972-AGGCGCCCAACTCG-A. GRCh37 (hg19) VCF-style: chr12-58160755-AGGCGCCCAACTCG-A.
Other names: c.57_69del13 (NM_000785.4); short protein forms E20fs.
Identifiers: ClinVar variation 2888336 (VCV002888336.5), dbSNP rs2540919542, ClinGen allele CA2619514397.

ClinVar aggregate classification (germline): Pathogenic. Review status: criteria provided, multiple submitters, no conflicts (2 of 4 stars). 3 submissions from 3 submitters: Pathogenic (3). Last evaluated 2024-09-10.

Conditions:
Vitamin D-dependent rickets, type 1A. Also called: VITAMIN D HYDROXYLATION-DEFICIENT RICKETS, TYPE 1A; PDDR IA; PSEUDOVITAMIN D-DEFICIENCY RICKETS, TYPE IA. Identifiers: MedGen CN283242, MONDO:0020723, OMIM 264700.

Submissions (3):

Women's Health and Genetics/Laboratory Corporation of America, LabCorp
Classification: Pathogenic for Vitamin D-dependent rickets, type 1A. Last evaluated: 2024-09-10. Review status: criteria provided, single submitter. Criteria: LabCorp Variant Classification Summary - May 2015. Collection method: clinical testing. Allele origin: germline.
Comment: Variant summary: CYP27B1 c.57_69del13 (p.Glu20ProfsX2) results in a premature termination codon, predicted to cause a truncation of the encoded protein or absence of the protein due to nonsense mediated decay, which are commonly known mechanisms for disease. The variant was absent in 251386 control chromosomes. c.57_69del13 has been reported in the literature as a compound heterozygous genotype in at-least one individual affected with Vitamin D-dependent rickets (example, Min Kim_2019). To our knowledge, no experimental evidence demonstrating an impact on protein function has been reported. Loss of function variants in CYP27B1 are an established mechanism of disease. The following publication have been ascertained in the context of this evaluation (PMID: 31261480). No submitters have cited clinical-significance assessments for this variant to ClinVar. Based on the evidence outlined above, the variant was classified as pathogenic.

Labcorp Genetics (formerly Invitae), Labcorp
Classification: Pathogenic. Last evaluated: 2023-11-20. Review status: criteria provided, single submitter. Criteria: Invitae Variant Classification Sherloc (09022015). Collection method: clinical testing. Allele origin: germline.
Comment: This sequence change creates a premature translational stop signal (p.Glu20Profs*2) in the CYP27B1 gene. It is expected to result in an absent or disrupted protein product. Loss-of-function variants in CYP27B1 are known to be pathogenic (PMID: 9837822, 17488797). This variant is not present in population databases (gnomAD no frequency). This premature translational stop signal has been observed in individual(s) with vitamin D hydroxylation-deficient rickets type 1A (PMID: 31261480). For these reasons, this variant has been classified as Pathogenic.

3billion
Classification: Pathogenic for Vitamin D-dependent rickets, type 1A. Last evaluated: 2023-07-12. Review status: criteria provided, single submitter. Criteria: ACMG Guidelines, 2015. Collection method: clinical testing. Allele origin: germline. Affected: yes.
Comment: The variant is not observed in the gnomAD v2.1.1 dataset. Predicted Consequence/Location: Frameshift: predicted to result in a loss or disruption of normal protein function through nonsense-mediated decay (NMD) or protein truncation. Multiple pathogenic variants are reported downstream of the variant. The variant has been reported to be associated with CYP27B1 related disorder (PMID: 31261480 /3billion dataset). Therefore, this variant is classified as Pathogenic according to the recommendation of ACMG/AMP guideline.

Literature cited by the submitters: PubMed 31261480 (cited by 3 submitters); PubMed 9837822 (cited by Labcorp Genetics (formerly Invitae), Labcorp); PubMed 17488797 (cited by Labcorp Genetics (formerly Invitae), Labcorp).